The following is an entry in ClinVar:

NM_006492.3(ALX3):c.414G>A (p.Pro138=)

Gene: ALX3 (ALX homeobox 3; minus strand). Cytogenetic location: 1p13.3.
Variant type: single nucleotide variant.
Coding change: c.414G>A on transcript NM_006492.3 (MANE Select); coding-DNA position 414, G replaced by A.
Protein change: p.Pro138=; no amino-acid change (proline 138 retained).
Molecular consequence: synonymous variant.
Genome position (GRCh38, 1-based): chr1:110,064,767, C>T on the plus strand (G>A on the coding strand, the complement: ALX3 is on the minus strand). VCF-style: chr1-110064767-C-T. GRCh37 (hg19) VCF-style: chr1-110607389-C-T.
Other names: c.414G>A (NM_006492.2).
Identifiers: ClinVar variation 2750794 (VCV002750794.6), dbSNP rs150660098, ClinGen allele CA997599.
Genomic context (GRCh38, chr1:110,064,767, plus strand): 5'-CGTGCGGTTACGACGCTTCTTGCTCTTGTTCTTGGCCAACTCCATGGAGTCAGGGAGTCC[C>T]GGGGAAAGAGGAAGATGCAGGCTGGCCAGGCAGGGGCCTGGGGAGCCTTGCAAGTTAGAG-3'
Protein context (NP_006483.2, residues 128-148): CLASLHLPLS[Pro138=]GLPDSMELAK

ClinVar aggregate classification (germline): Benign/Likely benign. Review status: criteria provided, multiple submitters, no conflicts (2 of 4 stars). 3 submissions from 3 submitters: Benign (1); Likely benign (1). 1 of the submissions does not count toward it. Last evaluated 2025-09-27.

Conditions:
ALX3-related disorder. Also called: ALX3-related condition.

Allele frequency attached by ClinVar (database versions not stated): gnomAD exomes 0.00024; 1000 Genomes Project 30x 0.00047; ExAC 0.00055; 1000 Genomes Project 0.00060; gnomAD 0.00152; TOPMed 0.00179; ESP Exome Variant Server 0.00215.
gnomAD v4.1: 586 of 1,614,206 alleles (0.036%); highest among the groups gnomAD compares: African/African-American, 0.51%; 3 homozygotes.

Submissions (3):

Labcorp Genetics (formerly Invitae), Labcorp
Classification: Benign. Last evaluated: 2025-09-27. Review status: criteria provided, single submitter. Criteria: Invitae Variant Classification Sherloc (09022015). Collection method: clinical testing. Allele origin: germline.

Blueprint Genetics
Classification: Likely benign. Last evaluated: 2024-09-16. Review status: criteria provided, single submitter. Criteria: ACMG Guidelines, 2015. Collection method: clinical testing. Allele origin: germline.

PreventionGenetics, part of Exact Sciences
Classification: Likely benign for ALX3-related condition. Last evaluated: 2020-01-02. Review status: no assertion criteria provided. Collection method: clinical testing. Allele origin: germline. Not counted in ClinVar's aggregate classification.
Comment: This variant is classified as likely benign based on ACMG/AMP sequence variant interpretation guidelines (Richards et al. 2015 PMID: 25741868, with internal and published modifications).